The following is an entry in ClinVar:

ClinVar aggregate classification (germline): Conflicting classifications of pathogenicity. Review status: criteria provided, conflicting classifications (1 of 4 stars). 15 submissions from 14 submitters: Uncertain significance (4); Likely benign (6). 5 of the submissions do not count toward it. Last evaluated 2026-01-28.

Conditions:
CDH23-related disorder. Also called: CDH23-related condition; CDH23-related disorders.
Pituitary adenoma 5, multiple types. Identifiers: MedGen C4539685, MONDO:0054601, OMIM 617540.
Usher syndrome type 1 (USH1). Also called: RETINITIS PIGMENTOSA AND CONGENITAL DEAFNESS. Identifiers: Orphanet 231169, Orphanet 886, MedGen C1568247, MONDO:0010168, OMIM 276900.
Autosomal recessive nonsyndromic hearing loss 12. Also called: DEAFNESS, AUTOSOMAL RECESSIVE 12. Identifiers: Orphanet 90636, MedGen C1832394, MONDO:0011067, OMIM 601386.
Usher syndrome type 1D (USH1D). Also called: USHER SYNDROME, TYPE ID. Identifiers: Orphanet 231169, Orphanet 886, MedGen C1832845, MONDO:0010984, OMIM 601067.

Allele frequency attached by ClinVar (database versions not stated): 1000 Genomes Project 0.00020; 1000 Genomes Project 30x 0.00031; gnomAD exomes 0.00110 and 0.00212; ExAC 0.00113; gnomAD 0.00125 and 0.00136; TOPMed 0.00133; ESP Exome Variant Server 0.00175.

Submissions (15):

Labcorp Genetics (formerly Invitae), Labcorp
Classification: Likely benign. Last evaluated: 2026-01-28. Review status: criteria provided, single submitter. Criteria: Invitae Variant Classification Sherloc (09022015). Collection method: clinical testing. Allele origin: germline.

CeGaT Center for Human Genetics Tuebingen
Classification: Likely benign. Last evaluated: 2025-09-01. Review status: criteria provided, single submitter. Criteria: CeGaT Center For Human Genetics Tuebingen Variant Classification Criteria Version 2. Collection method: clinical testing. Allele origin: germline. Affected: yes. Observed: 4 variant alleles.
Comment: CDH23: BS2

Blueprint Genetics
Classification: Likely benign. Last evaluated: 2024-11-26. Review status: criteria provided, single submitter. Criteria: ACMG Guidelines, 2015. Collection method: clinical testing. Allele origin: germline.

GeneDx
Classification: Likely benign. Last evaluated: 2020-09-25. Review status: criteria provided, single submitter. Criteria: GeneDx Variant Classification Process June 2021. Collection method: clinical testing. Allele origin: germline. Affected: yes.
Comment: This variant is associated with the following publications: (PMID: 21436283, 24875298, 23804846)

Centre for Mendelian Genomics, University Medical Centre Ljubljana
Classification: Uncertain significance for Pituitary adenoma 5, multiple types. Last evaluated: 2019-09-16. Review status: criteria provided, single submitter. Criteria: ACMG Guidelines, 2015. Collection method: clinical testing. Allele origin: unknown. Affected: yes.
Comment: This variant was classified as: Uncertain significance. The available evidence on this variant's pathogenicity is insufficient or conflicting. The following ACMG criteria were applied in classifying this variant: PP3.

Athena Diagnostics
Classification: Likely benign. Last evaluated: 2019-04-16. Review status: criteria provided, single submitter. Criteria: Athena Diagnostics Criteria. Collection method: clinical testing. Allele origin: germline.

Illumina Laboratory Services, Illumina
Classification: Uncertain significance for Autosomal recessive nonsyndromic hearing loss 12. Last evaluated: 2018-01-13. Review status: criteria provided, single submitter. Criteria: ICSL Variant Classification Criteria 13 December 2019. Collection method: clinical testing. Allele origin: germline.

Illumina Laboratory Services, Illumina
Classification: Uncertain significance for Usher syndrome type 1D. Last evaluated: 2018-01-13. Review status: criteria provided, single submitter. Criteria: ICSL Variant Classification Criteria 13 December 2019. Collection method: clinical testing. Allele origin: germline.

Laboratory for Molecular Medicine, Mass General Brigham Personalized Medicine
Classification: Likely benign. Last evaluated: 2017-05-18. Review status: criteria provided, single submitter. Criteria: LMM Criteria. Collection method: clinical testing. Allele origin: germline. Observed: 10 variant alleles.
Comment: p.Arg747Cys in exon 21 of CDH23: This variant is not expected to have clinical s ignificance because it has been identified in 0.2% (247/126652) of European chro mosomes including one homozygote by the Genome Aggregation Database (gnomAD; dbSNP rs200649500). It has been observed in 4 ind ividuals with alternate explanations for their hearing loss (Roux 2011, LMM Data ), including 1 individual who had a pathogenic truncating CDH23 variant in cis w ith this variant (Patient ID FR0145311510; Roux 2011). This variant has also been observed in 5 additional individuals with hearing los s; however, a variant affecting the remaining copy of CDH23 was not identified ( Shearer 2013, LMM Data). In summary, given its relatively high frequency in the general population, multiple reports of the variant in individuals with alterna te etiologies, its presence in cis with a pathogenic CDH23 variant, and the fact that it has never been observed in trans with a clearly pathogenic CDH23 varian t in affected individuals, this variant is likely benign.

ARUP Laboratories, Molecular Genetics and Genomics, ARUP Laboratories
Classification: Uncertain significance. Last evaluated: 2017-05-12. Review status: criteria provided, single submitter. Criteria: ARUP Molecular Germline Variant Investigation Process. Collection method: clinical testing. Allele origin: germline.
Comment: The p.Arg747Cys variant (rs200649500) has been previously identified in a hearing loss cohort (Shearer et al. 2013) but was not identified in a patient with 2nd pathogenic variant of CDH23. This variant has been reported to ClinVar (Variation ID: 45890). The p.Arg747Cys variant is listed in the NHLBI GO Exome Sequencing Project with an overall population frequency of 0.18 percent (identified on 22 out of 12,542 chromosomes) and is listed in the Genome Aggregation Database (gnomAD) with a European (Non-Finnish) population frequency of 0.20 percent (identified on 247 out of 126,652 chromosomes, including 1 homozygote). The arginine at position 747 is highly conserved, up to Zebrafish (considering 12 species) (Alamut v2.10) and computational analyses of the effects of the p.Arg747Cys variant on protein structure and function predict a deleterious effect (SIFT: damaging, MutationTaster: disease causing, PolyPhen-2: probably damaging). Altogether, there is not enough evidence to classify the p.Arg747Cys variant with certainty.

PreventionGenetics, part of Exact Sciences
Classification: Likely benign for CDH23-related condition. Last evaluated: 2024-02-21. Review status: no assertion criteria provided. Collection method: clinical testing. Allele origin: germline. Not counted in ClinVar's aggregate classification.
Comment: This variant is classified as likely benign based on ACMG/AMP sequence variant interpretation guidelines (Richards et al. 2015 PMID: 25741868, with internal and published modifications).

Natera, Inc.
Classification: Uncertain significance for Usher syndrome type 1. Last evaluated: 2020-04-15. Review status: no assertion criteria provided. Collection method: clinical testing. Allele origin: germline. Not counted in ClinVar's aggregate classification.

Clinical Genetics DNA and cytogenetics Diagnostics Lab, Erasmus MC, Erasmus Medical Center
Classification: Uncertain significance. Review status: no assertion criteria provided. Collection method: clinical testing. Allele origin: germline. Affected: yes. Study: VKGL Data-share Consensus. Not counted in ClinVar's aggregate classification.

Department of Pathology and Laboratory Medicine, Sinai Health System
Classification: Uncertain significance. Review status: no assertion criteria provided. Collection method: clinical testing. Allele origin: unknown. Affected: yes. Study: The Canadian Open Genetics Repository (COGR). Not counted in ClinVar's aggregate classification.
Comment: The CDH23 p.Arg747Cys variant was identified in 1 of 260 proband chromosomes (frequency: 0.00385) from individuals with nonsyndromic hearing loss and was present in 1 of 18 control chromosomes (frequency: 0.056) from healthy individuals (Vona_2014_PMID:24875298; Shearer_2013_PMID:23804846). The variant was identified in dbSNP (ID: rs200649500) and ClinVar (classified as uncertain significance by Illumina and ARUP Laboratories, and as likely benign by Laboratory for Molecular Medicine). Laboratory for Molecular Medicine reported this variant in an individual with Usher syndrome who carried another pathogenic CDH23 variant in cis, as well as in other individuals with alternate explanations for their hearing loss. The variant was identified in control databases in 304 of 280334 chromosomes (1 homozygous) at a frequency of 0.001084 increasing the likelihood this could be a low frequency benign variant (Genome Aggregation Database March 6, 2019, v2.1.1). The variant was observed in the following populations: European (non-Finnish) in 255 of 128328 chromosomes (freq: 0.001987), Other in 6 of 7134 chromosomes (freq: 0.000841), African in 16 of 24150 chromosomes (freq: 0.000663), Latino in 16 of 35354 chromosomes (freq: 0.000453), South Asian in 7 of 30590 chromosomes (freq: 0.000229) and European (Finnish) in 4 of 24894 chromosomes (freq: 0.000161), but was not observed in the Ashkenazi Jewish or East Asian populations. The p.Arg747 residue is conserved across mammals and other organisms, and four out of five computational analyses (PolyPhen-2, SIFT, AlignGVGD, BLOSUM, MutationTaster) suggest that the variant may impact the protein; however, this information is not predictive enough to assume pathogenicity. The variant occurs outside of the splicing consensus sequence and in silico or computational prediction software programs (SpliceSiteFinder, MaxEntScan, NNSPLICE, GeneSplicer) do not predict a difference in splicing. In summary, based on the above information the clinical significance of this variant cannot be determined with certainty at this time. This variant is classified as a variant of uncertain significance.

Joint Genome Diagnostic Labs from Nijmegen and Maastricht, Radboudumc and MUMC+
Classification: Uncertain significance. Review status: no assertion criteria provided. Collection method: clinical testing. Allele origin: germline. Affected: yes. Study: VKGL Data-share Consensus. Not counted in ClinVar's aggregate classification.

Literature cited by the submitters: PubMed 23804846 (cited by Athena Diagnostics and Laboratory for Molecular Medicine, Mass General Brigham Personalized Medicine); PubMed 21436283 (cited by Laboratory for Molecular Medicine, Mass General Brigham Personalized Medicine); PubMed 24875298 (cited by Laboratory for Molecular Medicine, Mass General Brigham Personalized Medicine).

NM_022124.6(CDH23):c.2239C>T (p.Arg747Cys)

Gene: CDH23 (cadherin related 23; plus strand). Cytogenetic location: 10q22.1.
Variant type: single nucleotide variant.
Coding change: c.2239C>T on transcript NM_022124.6 (MANE Select); coding-DNA position 2239, C replaced by T.
Protein change: p.Arg747Cys; replaces arginine 747 with cysteine.
Molecular consequence: missense variant.
Genome position (GRCh38, 1-based): chr10:71,694,209, C>T. VCF-style: chr10-71694209-C-T. GRCh37 (hg19) VCF-style: chr10-73453966-C-T.
Other names: c.2239C>T, p.Arg747Cys (NM_001171930.2, NM_001171931.2); short protein forms R747C.
Identifiers: ClinVar variation 45890 (VCV000045890.69), dbSNP rs200649500, ClinGen allele CA137315.